The following is an entry in ClinVar:

NM_033118.4(MYLK2):c.205C>A (p.Pro69Thr)

Gene: MYLK2 (myosin light chain kinase 2; plus strand). Cytogenetic location: 20q11.21.
Variant type: single nucleotide variant.
Coding change: c.205C>A on transcript NM_033118.4 (MANE Select); coding-DNA position 205, C replaced by A.
Protein change: p.Pro69Thr; replaces proline 69 with threonine.
Molecular consequence: missense variant.
Genome position (GRCh38, 1-based): chr20:31,820,278, C>A. VCF-style: chr20-31820278-C-A. GRCh37 (hg19) VCF-style: chr20-30408081-C-A.
Other names: short protein forms P69T.
Identifiers: ClinVar variation 3654122 (VCV003654122.2).

ClinVar aggregate classification (germline): Uncertain significance (1 of 4 stars; one submission).

Conditions:
Hypertrophic cardiomyopathy 1 (CMH1). Also called: MYH7-Related Familial Hypertrophic Cardiomyopathy; Familial hypertrophic cardiomyopathy 1. Identifiers: MedGen C3495498, MONDO:0008647, OMIM 192600.

Submission:

Labcorp Genetics (formerly Invitae), Labcorp
Classification: Uncertain significance for Hypertrophic cardiomyopathy 1. Last evaluated: 2024-05-21. Review status: criteria provided, single submitter. Criteria: Invitae Variant Classification Sherloc (09022015). Collection method: clinical testing. Allele origin: germline.
Comment: This sequence change replaces proline, which is neutral and non-polar, with threonine, which is neutral and polar, at codon 69 of the MYLK2 protein (p.Pro69Thr). This variant is not present in population databases (gnomAD no frequency). This variant has not been reported in the literature in individuals affected with MYLK2-related conditions. Advanced modeling of protein sequence and biophysical properties (such as structural, functional, and spatial information, amino acid conservation, physicochemical variation, residue mobility, and thermodynamic stability) performed at Invitae indicates that this missense variant is not expected to disrupt MYLK2 protein function with a negative predictive value of 80%. In summary, the available evidence is currently insufficient to determine the role of this variant in disease. Therefore, it has been classified as a Variant of Uncertain Significance.